The following is an entry in ClinVar:

NM_031206.7(LAS1L):c.132C>T (p.Ala44=)

Gene: LAS1L (LAS1 like ribosome biogenesis factor; minus strand). Cytogenetic location: Xq12.
Variant type: single nucleotide variant.
Coding change: c.132C>T on transcript NM_031206.7 (MANE Select); coding-DNA position 132, C replaced by T.
Protein change: p.Ala44=; no amino-acid change (alanine 44 retained).
Molecular consequence: synonymous variant. On other transcripts: 5 prime UTR variant (1), non-coding transcript variant (1).
Genome position (GRCh38, 1-based): chrX:65,534,584, G>A on the plus strand (C>T on the coding strand, the complement: LAS1L is on the minus strand). VCF-style: chrX-65534584-G-A. GRCh37 (hg19) VCF-style: chrX-64754464-G-A.
Other names: c.132C>T, p.Ala44= (NM_001170649.2, NM_001170650.2, NM_001375328.1 and 8 more transcripts); c.-665C>T (NM_001375332.1).
Identifiers: ClinVar variation 1639304 (VCV001639304.30), dbSNP rs377215853, ClinGen allele CA10434136.

ClinVar aggregate classification (germline): Likely benign. Review status: criteria provided, multiple submitters, no conflicts (2 of 4 stars). 2 submissions from 2 submitters: Likely benign (2). Last evaluated 2025-06-01.

Conditions:
Wilson-Turner syndrome (WTS). Also called: MENTAL RETARDATION, X-LINKED, SYNDROMIC 6; INTELLECTUAL DEVELOPMENTAL DISORDER, X-LINKED, SYNDROMIC, WILSON-TURNER TYPE. Identifiers: Orphanet 3459, MedGen C1839736, MONDO:0010665, OMIM 309585.

Allele frequency attached by ClinVar (database versions not stated): gnomAD 0.00003 and 0.00005; gnomAD exomes 0.00006 and 0.00012; ESP Exome Variant Server 0.00009; TOPMed 0.00010; ExAC 0.00019.

Submissions (2):

CeGaT Center for Human Genetics Tuebingen
Classification: Likely benign. Last evaluated: 2025-06-01. Review status: criteria provided, single submitter. Criteria: CeGaT Center For Human Genetics Tuebingen Variant Classification Criteria Version 2. Collection method: clinical testing. Allele origin: germline. Affected: yes. Observed: 2 variant alleles.
Comment: LAS1L: BP4, BP7, BS2

Labcorp Genetics (formerly Invitae), Labcorp
Classification: Likely benign for Wilson-Turner syndrome. Last evaluated: 2022-06-27. Review status: criteria provided, single submitter. Criteria: Invitae Variant Classification Sherloc (09022015). Collection method: clinical testing. Allele origin: germline.